The following is an entry in ClinVar:

ClinVar aggregate classification (germline): Pathogenic (1 of 4 stars; one submission).

Conditions:
Angelman syndrome-like. Identifiers: MedGen CN128785.
Developmental and epileptic encephalopathy, 2 (DEE2). Also called: INFANTILE SPASM SYNDROME, X-LINKED 2; CDKL5 deficiency disorder. Identifiers: Orphanet 1934, Orphanet 3451, Orphanet 505652, MedGen C4750718, MONDO:0010396, OMIM 300672.

Submission:

Labcorp Genetics (formerly Invitae), Labcorp
Classification: Pathogenic for Developmental and epileptic encephalopathy, 2; Angelman syndrome-like. Last evaluated: 2025-04-17. Review status: criteria provided, single submitter. Criteria: Invitae Variant Classification Sherloc (09022015). Collection method: clinical testing. Allele origin: germline.
Comment: This sequence change creates a premature translational stop signal (p.Lys619Serfs*19) in the CDKL5 gene. It is expected to result in an absent or disrupted protein product. Loss-of-function variants in CDKL5 are known to be pathogenic (PMID: 22872100). This variant is not present in population databases (gnomAD no frequency). This variant has not been reported in the literature in individuals affected with CDKL5-related conditions. For these reasons, this variant has been classified as Pathogenic.

Literature cited by the submitters: PubMed 22872100.

NM_001323289.2(CDKL5):c.1856_1857del (p.Lys619fs)

Gene: CDKL5 (cyclin dependent kinase like 5; plus strand). Cytogenetic location: Xp22.13.
Variant type: Deletion.
Coding change: c.1856_1857del on transcript NM_001323289.2 (MANE Select); coding-DNA positions 1856 to 1857, 2 bases deleted (AA; older notation c.1856_1857delAA).
Protein change: p.Lys619fs; shifts the reading frame from lysine 619.
Molecular consequence: frameshift variant.
Genome position (GRCh38, 1-based): chrX:18,604,780-18,604,781, AA deleted; deleting any 2 consecutive bases within chrX:18,604,779-18,604,781 gives the same sequence; the c. name uses the placement nearest the transcript's 3' end. VCF-style (leftmost placement, unchanged base first): chrX-18604778-CAA-C. GRCh37 (hg19) VCF-style: chrX-18622898-CAA-C.
Other names: c.1856_1857del, p.Lys619fs (NM_001037343.2, NM_003159.3); short protein forms K619fs.
Identifiers: ClinVar variation 4784719 (VCV004784719.1).